The following is an entry in ClinVar:

NM_018671.5(UNC45A):c.468G>A (p.Met156Ile)

Gene: UNC45A (unc-45 myosin chaperone A; plus strand). Cytogenetic location: 15q26.1.
Variant type: single nucleotide variant.
Coding change: c.468G>A on transcript NM_018671.5 (MANE Select); coding-DNA position 468, G replaced by A.
Protein change: p.Met156Ile; replaces methionine 156 with isoleucine.
Molecular consequence: missense variant.
Genome position (GRCh38, 1-based): chr15:90,939,772, G>A. VCF-style: chr15-90939772-G-A. GRCh37 (hg19) VCF-style: chr15-91483002-G-A.
Other names: c.423G>A, p.Met141Ile (NM_001039675.2, NM_001323621.2); c.468G>A, p.Met156Ile (NM_001323619.1); c.33G>A, p.Met11Ile (NM_001323620.2); short protein forms M11I, M141I, M156I.
Identifiers: ClinVar variation 1425946 (VCV001425946.7), dbSNP rs151204557, ClinGen allele CA7742551.

ClinVar aggregate classification (germline): Uncertain significance (1 of 4 stars; one submission).

Allele frequency attached by ClinVar (database versions not stated): gnomAD exomes below 0.00001 and 0.00002; ExAC 0.00002; gnomAD 0.00004; TOPMed 0.00004; ESP Exome Variant Server 0.00015.

Submission:

Labcorp Genetics (formerly Invitae), Labcorp
Classification: Uncertain significance. Last evaluated: 2024-10-14. Review status: criteria provided, single submitter. Criteria: Invitae Variant Classification Sherloc (09022015). Collection method: clinical testing. Allele origin: germline.
Comment: This sequence change replaces methionine with isoleucine at codon 156 of the UNC45A protein (p.Met156Ile). The methionine residue is highly conserved and there is a small physicochemical difference between methionine and isoleucine. This variant is present in population databases (rs151204557, gnomAD 0.02%). This variant has not been reported in the literature in individuals affected with UNC45A-related conditions. ClinVar contains an entry for this variant (Variation ID: 1425946). Invitae Evidence Modeling of protein sequence and biophysical properties (such as structural, functional, and spatial information, amino acid conservation, physicochemical variation, residue mobility, and thermodynamic stability) indicates that this missense variant is expected to disrupt UNC45A protein function with a positive predictive value of 80%. In summary, the available evidence is currently insufficient to determine the role of this variant in disease. Therefore, it has been classified as a Variant of Uncertain Significance.